The following is an entry in ClinVar:

NM_001039141.3(TRIOBP):c.384G>C (p.Glu128Asp)

Gene: TRIOBP (TRIO and F-actin binding protein; plus strand). Cytogenetic location: 22q13.1.
Variant type: single nucleotide variant.
Coding change: c.384G>C on transcript NM_001039141.3 (MANE Select); coding-DNA position 384, G replaced by C.
Protein change: p.Glu128Asp; replaces glutamic acid 128 with aspartic acid.
Molecular consequence: missense variant.
Genome position (GRCh38, 1-based): chr22:37,713,339, G>C. VCF-style: chr22-37713339-G-C. GRCh37 (hg19) VCF-style: chr22-38109346-G-C.
Other names: short protein forms E128D.
Identifiers: ClinVar variation 3369123 (VCV003369123.1).

ClinVar aggregate classification (germline): Uncertain significance (1 of 4 stars; one submission).

gnomAD v4.1: 21 of 1,613,964 alleles (0.0013%); highest among the groups gnomAD compares: African/African-American, 0.027%; no homozygotes.

Submission:

GeneDx
Classification: Uncertain significance. Last evaluated: 2024-02-14. Review status: criteria provided, single submitter. Criteria: GeneDx Variant Classification Process June 2021. Collection method: clinical testing. Allele origin: germline. Affected: yes.
Comment: In silico analysis supports that this missense variant does not alter protein structure/function; Has not been previously published as pathogenic or benign to our knowledge